The following is an entry in ClinVar:

NM_001844.5(COL2A1):c.531+4A>T

Gene: COL2A1 (collagen type II alpha 1 chain; minus strand). Cytogenetic location: 12q13.11.
Variant type: single nucleotide variant.
Coding change: c.531+4A>T on transcript NM_001844.5 (MANE Select); 4 bases into the intron after coding-DNA position 531, A replaced by T.
Molecular consequence: intron variant.
Genome position (GRCh38, 1-based): chr12:47,997,602, T>A on the plus strand (A>T on the coding strand, the complement: COL2A1 is on the minus strand). VCF-style: chr12-47997602-T-A. GRCh37 (hg19) VCF-style: chr12-48391385-T-A.
Other names: c.324+4A>T (NM_033150.3).
Identifiers: ClinVar variation 3019380 (VCV003019380.3), dbSNP rs754615106, ClinGen allele CA6535907.

ClinVar aggregate classification (germline): Uncertain significance (1 of 4 stars; one submission).

Allele frequency attached by ClinVar (database versions not stated): gnomAD exomes below 0.00001; ExAC 0.00001.
gnomAD v4.1: 3 of 1,613,788 alleles (0.00019%); highest among the groups gnomAD compares: Non-Finnish European, 0.00025%; no homozygotes.

Submission:

Labcorp Genetics (formerly Invitae), Labcorp
Classification: Uncertain significance. Last evaluated: 2023-07-17. Review status: criteria provided, single submitter. Criteria: Invitae Variant Classification Sherloc (09022015). Collection method: clinical testing. Allele origin: germline.
Comment: In summary, the available evidence is currently insufficient to determine the role of this variant in disease. Therefore, it has been classified as a Variant of Uncertain Significance. This sequence change falls in intron 7 of the COL2A1 gene. It does not directly change the encoded amino acid sequence of the COL2A1 protein. It affects a nucleotide within the consensus splice site. This variant is present in population databases (rs754615106, gnomAD 0.0009%). This variant has not been reported in the literature in individuals affected with COL2A1-related conditions. Variants that disrupt the consensus splice site are a relatively common cause of aberrant splicing (PMID: 17576681, 9536098). Algorithms developed to predict the effect of sequence changes on RNA splicing suggest that this variant may create or strengthen a splice site.

Literature cited by the submitters: PubMed 17576681; PubMed 9536098.